The following is an entry in ClinVar:

ClinVar aggregate classification (germline): Pathogenic. Review status: criteria provided, multiple submitters, no conflicts (2 of 4 stars). 2 submissions from 2 submitters: Pathogenic (2). Last evaluated 2024-05-22.

Conditions:
Inborn genetic diseases. Identifiers: MedGen C0950123, MeSH D030342.

Submissions (2):

GeneDx
Classification: Pathogenic. Last evaluated: 2024-05-22. Review status: criteria provided, single submitter. Criteria: GeneDx Variant Classification Process June 2021. Collection method: clinical testing. Allele origin: germline. Affected: yes.
Comment: Nonsense variant predicted to result in protein truncation or nonsense mediated decay in a gene for which loss of function is a known mechanism of disease; Not observed at significant frequency in large population cohorts (gnomAD); Has not been previously published as pathogenic or benign to our knowledge

Ambry Genetics
Classification: Pathogenic for Inborn genetic diseases. Last evaluated: 2018-02-12. Review status: criteria provided, single submitter. Criteria: Ambry exome assertion method (8-5-2015). Collection method: clinical testing. Allele origin: germline. Affected: yes. Observed: 1 variant allele.

NM_017780.4(CHD7):c.613C>T (p.Gln205Ter)

Gene: CHD7 (chromodomain helicase DNA binding protein 7; plus strand). Cytogenetic location: 8q12.2.
Variant type: single nucleotide variant.
Coding change: c.613C>T on transcript NM_017780.4 (MANE Select); coding-DNA position 613, C replaced by T.
Protein change: p.Gln205Ter; replaces glutamine 205 with a stop codon.
Molecular consequence: nonsense.
Genome position (GRCh38, 1-based): chr8:60,742,045, C>T. VCF-style: chr8-60742045-C-T. GRCh37 (hg19) VCF-style: chr8-61654604-C-T.
Other names: c.613C>T, p.Gln205Ter (NM_001316690.1); c.613C>T (NM_017780.2); short protein forms Q205*.
Identifiers: ClinVar variation 985852 (VCV000985852.4), dbSNP rs1809058275, ClinGen allele CA371298414.
Genomic context (GRCh38, chr8:60,742,045, plus strand): 5'-CACATGCAGCAGATGGGCAGCTATATGGCACGTGGGGATTTTTCCATGCAGCAGCATGGT[C>T]AGCCACAGCAGAGGATGAGCCAGTTTTCCCAAGGCCAAGAGGGCCTCAATCAGGGAAATC-3'